The following is an entry in ClinVar:

ClinVar aggregate classification (germline): Conflicting classifications of pathogenicity. Review status: criteria provided, conflicting classifications (1 of 4 stars). 8 submissions from 8 submitters: Uncertain significance (2); Likely benign (5). 1 of the submissions does not count toward it. Last evaluated 2026-01-28.

Conditions:
HPS4-related disorder. Also called: HPS4-related condition.
Hermansky-Pudlak syndrome 4 (HPS4). Identifiers: Orphanet 231500, Orphanet 79430, MedGen C3484357, MONDO:0013556, OMIM 614073.

Allele frequency attached by ClinVar (database versions not stated): gnomAD exomes 0.00054; ExAC 0.00063; gnomAD 0.00149 and 0.00153; TOPMed 0.00169; ESP Exome Variant Server 0.00185; 1000 Genomes Project 0.00260; 1000 Genomes Project 30x 0.00265.
gnomAD v4.1: 603 of 1,613,468 alleles (0.037%); highest among the groups gnomAD compares: African/African-American, 0.49%; 1 homozygote.

Submissions (8):

Labcorp Genetics (formerly Invitae), Labcorp
Classification: Likely benign. Last evaluated: 2026-01-28. Review status: criteria provided, single submitter. Criteria: Invitae Variant Classification Sherloc (09022015). Collection method: clinical testing. Allele origin: germline.

Blueprint Genetics
Classification: Uncertain significance. Last evaluated: 2024-11-12. Review status: criteria provided, single submitter. Criteria: ACMG Guidelines, 2015. Collection method: clinical testing. Allele origin: germline.

Mayo Clinic Laboratories, Mayo Clinic
Classification: Likely benign. Last evaluated: 2024-03-05. Review status: criteria provided, single submitter. Criteria: ACMG Guidelines, 2015. Collection method: clinical testing. Allele origin: germline. Observed: 3 variant alleles.
Comment: BS1_supporting, BP4

Women's Health and Genetics/Laboratory Corporation of America, LabCorp
Classification: Likely benign. Last evaluated: 2023-06-02. Review status: criteria provided, single submitter. Criteria: LabCorp Variant Classification Summary - May 2015. Collection method: clinical testing. Allele origin: germline.
Comment: Variant summary: HPS4 c.1700C>T (p.Ala567Val) results in a non-conservative amino acid change in the encoded protein sequence. Three of five in-silico tools predict a damaging effect of the variant on protein function. The variant allele was found at a frequency of 0.0006 in 281414 control chromosomes (gnomAD), predominantly at a frequency of 0.0045 within the African or African-American subpopulation in the gnomAD database. The observed variant frequency within African or African-American control individuals in the gnomAD database is approximately 9 fold of the estimated maximal expected allele frequency for a pathogenic variant in HPS4 causing Hermansky-Pudlak Syndrome phenotype (0.00052), strongly suggesting that the variant is a benign polymorphism found primarily in populations of African or African-American origin. To our knowledge, no occurrence of c.1700C>T in individuals affected with Hermansky-Pudlak Syndrome and no experimental evidence demonstrating its impact on protein function have been reported. Four ClinVar submitters have assessed the variant since 2014: one classified the variant as uncertain significance and three as likely benign. Based on the evidence outlined above, the variant was classified as likely benign.

GeneDx
Classification: Uncertain significance. Last evaluated: 2021-10-01. Review status: criteria provided, single submitter. Criteria: GeneDx Variant Classification Process June 2021. Collection method: clinical testing. Allele origin: germline. Affected: yes.
Comment: Has not been previously published as pathogenic or benign to our knowledge; In silico analysis, which includes protein predictors and evolutionary conservation, supports that this variant does not alter protein structure/function

Illumina Laboratory Services, Illumina
Classification: Likely benign for Hermansky-Pudlak syndrome 4. Last evaluated: 2018-01-13. Review status: criteria provided, single submitter. Criteria: ICSL Variant Classification Criteria 13 December 2019. Collection method: clinical testing. Allele origin: germline.
Comment: This variant was observed in the ICSL laboratory as part of a predisposition screen in an ostensibly healthy population. It had not been previously curated by ICSL or reported in the Human Gene Mutation Database (HGMD: prior to June 1st, 2018), and was therefore a candidate for classification through an automated scoring system. Utilizing variant allele frequency, disease prevalence and penetrance estimates, and inheritance mode, an automated score was calculated to assess if this variant is too frequent to cause the disease. Based on the score and internal cut-off values, a variant classified as likely benign is not then subjected to further curation. The score for this variant resulted in a classification of likely benign for this disease.

Eurofins Ntd Llc (ga)
Classification: Likely benign. Last evaluated: 2017-06-14. Review status: criteria provided, single submitter. Criteria: EGL Classification Definitions 2015. Collection method: clinical testing. Allele origin: germline. Observed: 1 variant allele, 1 heterozygote.

PreventionGenetics, part of Exact Sciences
Classification: Likely benign for HPS4-related condition. Last evaluated: 2023-06-23. Review status: no assertion criteria provided. Collection method: clinical testing. Allele origin: germline. Not counted in ClinVar's aggregate classification.
Comment: This variant is classified as likely benign based on ACMG/AMP sequence variant interpretation guidelines (Richards et al. 2015 PMID: 25741868, with internal and published modifications).

NM_022081.6(HPS4):c.1700C>T (p.Ala567Val)

Gene: HPS4 (HPS4 biogenesis of lysosomal organelles complex 3 subunit 2; minus strand). Cytogenetic location: 22q12.1.
Variant type: single nucleotide variant.
Coding change: c.1700C>T on transcript NM_022081.6 (MANE Select); coding-DNA position 1700, C replaced by T.
Protein change: p.Ala567Val; replaces alanine 567 with valine.
Molecular consequence: missense variant. On other transcripts: non-coding transcript variant (8).
Genome position (GRCh38, 1-based): chr22:26,463,930, G>A on the plus strand (C>T on the coding strand, the complement: HPS4 is on the minus strand). VCF-style: chr22-26463930-G-A. GRCh37 (hg19) VCF-style: chr22-26859896-G-A.
Other names: p.Ala567Val; c.1700C>T, p.Ala567Val (NM_001349896.1, NM_001349898.2, NM_001349899.2 and 4 more transcripts); c.1754C>T, p.Ala585Val (NM_001349900.2, NM_001349901.1); c.1685C>T, p.Ala562Val (NM_152841.2); short protein forms A562V, A567V, A585V.
Identifiers: ClinVar variation 341002 (VCV000341002.28), dbSNP rs140234219, ClinGen allele CA10163259.